The following is an entry in ClinVar:

NM_001005242.3(PKP2):c.2168-6T>C

Gene: PKP2 (plakophilin 2; minus strand). Cytogenetic location: 12p11.21.
Variant type: single nucleotide variant.
Coding change: c.2168-6T>C on transcript NM_001005242.3 (MANE Select); 6 bases into the intron before coding-DNA position 2168, T replaced by C.
Molecular consequence: intron variant.
Genome position (GRCh38, 1-based): chr12:32,796,304, A>G on the plus strand (T>C on the coding strand, the complement: PKP2 is on the minus strand). VCF-style: chr12-32796304-A-G. GRCh37 (hg19) VCF-style: chr12-32949238-A-G.
Other names: c.2300-6T>C (NM_004572.4).
Identifiers: ClinVar variation 201958 (VCV000201958.18), dbSNP rs368531764, ClinGen allele CA011891.

ClinVar aggregate classification (germline): Benign/Likely benign. Review status: criteria provided, multiple submitters, no conflicts (2 of 4 stars). 6 submissions from 6 submitters: Benign (4); Likely benign (1). 1 of the submissions does not count toward it. Last evaluated 2026-01-23.

Conditions:
PKP2-related disorder. Also called: PKP2-related condition.
Cardiomyopathy (CMYO). Also called: Cardiomyopathies. Identifiers: Orphanet 167848, MedGen C0878544, MONDO:0004994, HP:0001638. Inheritance: Various modes of inheritance.
Arrhythmogenic right ventricular dysplasia 9 (ARVD9). Also called: ARRHYTHMOGENIC RIGHT VENTRICULAR DYSPLASIA, FAMILIAL, 9; Arrhythmogenic Right Ventricular Dysplasia/Cardiomyopathy 9. Identifiers: MedGen C1836906, MONDO:0012180, OMIM 609040.

Allele frequency attached by ClinVar (database versions not stated): gnomAD exomes 0.00004 and 0.00014; ExAC 0.00018; gnomAD 0.00051 and 0.00052; TOPMed 0.00056; ESP Exome Variant Server 0.00108; 1000 Genomes Project 0.00120; 1000 Genomes Project 30x 0.00156.
gnomAD v4.1: 141 of 1,599,594 alleles (0.0088%); highest among the groups gnomAD compares: African/African-American, 0.17%; 1 homozygote.

Submissions (6):

Labcorp Genetics (formerly Invitae), Labcorp
Classification: Benign for Arrhythmogenic right ventricular dysplasia 9. Last evaluated: 2026-01-23. Review status: criteria provided, single submitter. Criteria: Invitae Variant Classification Sherloc (09022015). Collection method: clinical testing. Allele origin: germline.

Blueprint Genetics
Classification: Likely benign. Last evaluated: 2023-12-29. Review status: criteria provided, single submitter. Criteria: ACMG Guidelines, 2015. Collection method: clinical testing. Allele origin: germline.

Women's Health and Genetics/Laboratory Corporation of America, LabCorp
Classification: Benign. Last evaluated: 2022-08-01. Review status: criteria provided, single submitter. Criteria: LabCorp Variant Classification Summary - May 2015. Collection method: clinical testing. Allele origin: germline.
Comment: Variant summary: PKP2 c.2300-6T>C alters a non-conserved nucleotide located close to a canonical splice site and therefore could affect mRNA splicing, leading to a significantly altered protein sequence. 4/4 computational tools predict no significant impact on normal splicing. However, these predictions have yet to be confirmed by functional studies. The variant allele was found at a frequency of 0.00014 in 239604 control chromosomes, predominantly at a frequency of 0.0019 within the African or African-American subpopulation in the gnomAD database, including 1 homozygote. The observed variant frequency within African or African-American control individuals in the gnomAD database is approximately 3-fold of the estimated maximal expected allele frequency for a pathogenic variant in PKP2 causing Arrhythmogenic Right Ventricular Dysplasia/Cardiomyopathy phenotype (0.00065), strongly suggesting that the variant is a benign polymorphism found primarily in populations of African or African-American origin. To our knowledge, no occurrence of c.2300-6T>C in individuals affected with Arrhythmogenic Right Ventricular Dysplasia/Cardiomyopathy and no experimental evidence demonstrating its impact on protein function have been reported. Two ClinVar submitters (evaluation after 2014) cite the variant as benign. Based on the evidence outlined above, the variant was classified as benign.

Color Diagnostics, LLC DBA Color Health
Classification: Benign for Cardiomyopathy. Last evaluated: 2018-04-20. Review status: criteria provided, single submitter. Criteria: ACMG Guidelines, 2015. Collection method: clinical testing. Allele origin: germline.

GeneDx
Classification: Benign. Last evaluated: 2014-09-23. Review status: criteria provided, single submitter. Criteria: GeneDx Variant Classification (06012015). Collection method: clinical testing. Allele origin: germline. Affected: yes.
Comment: This variant is considered likely benign or benign based on one or more of the following criteria: it is a conservative change, it occurs at a poorly conserved position in the protein, it is predicted to be benign by multiple in silico algorithms, and/or has population frequency not consistent with disease.

PreventionGenetics, part of Exact Sciences
Classification: Likely benign for PKP2-related condition. Last evaluated: 2019-07-30. Review status: no assertion criteria provided. Collection method: clinical testing. Allele origin: germline. Not counted in ClinVar's aggregate classification.
Comment: This variant is classified as likely benign based on ACMG/AMP sequence variant interpretation guidelines (Richards et al. 2015 PMID: 25741868, with internal and published modifications).